The following is an entry in ClinVar:

NM_001387430.1(SH2B1):c.293G>A (p.Gly98Asp)

Gene: SH2B1 (SH2B adaptor protein 1; plus strand). Cytogenetic location: 16p11.2.
Variant type: single nucleotide variant.
Coding change: c.293G>A on transcript NM_001387430.1 (MANE Select); coding-DNA position 293, G replaced by A.
Protein change: p.Gly98Asp; replaces glycine 98 with aspartic acid.
Molecular consequence: missense variant. On other transcripts: intron variant (1).
Genome position (GRCh38, 1-based): chr16:28,866,387, G>A. VCF-style: chr16-28866387-G-A. GRCh37 (hg19) VCF-style: chr16-28877708-G-A.
Other names: c.293G>A, p.Gly98Asp (NM_001145795.2, NM_001145796.2, NM_001145797.2 and 4 more transcripts); c.-26-987G>A (NM_001308294.2); short protein forms G98D.
Identifiers: ClinVar variation 1803525 (VCV001803525.1), dbSNP rs2544868001, ClinGen allele CA395422387.

ClinVar aggregate classification (germline): Uncertain significance (1 of 4 stars; one submission).

Allele frequency attached by ClinVar (database versions not stated): gnomAD exomes below 0.00001.

Submission:

GeneDx
Classification: Uncertain significance. Last evaluated: 2022-06-08. Review status: criteria provided, single submitter. Criteria: GeneDx Variant Classification Process June 2021. Collection method: clinical testing. Allele origin: germline. Affected: yes.
Comment: Not observed at significant frequency in large population cohorts (gnomAD); In silico analysis supports that this missense variant does not alter protein structure/function; Has not been previously published as pathogenic or benign to our knowledge